The following is an entry in ClinVar:

NM_001457.4(FLNB):c.2548G>A (p.Ala850Thr)

Genes: FLNB (filamin B; plus strand), LOC129936935 (ATAC-STARR-seq lymphoblastoid active region 19999; plus strand). Cytogenetic location: 3p14.3.
Variant type: single nucleotide variant.
Coding change: c.2548G>A on transcript NM_001457.4 (MANE Select); coding-DNA position 2548, G replaced by A.
Protein change: p.Ala850Thr; replaces alanine 850 with threonine.
Molecular consequence: missense variant.
Genome position (GRCh38, 1-based): chr3:58,111,854, G>A. VCF-style: chr3-58111854-G-A. GRCh37 (hg19) VCF-style: chr3-58097581-G-A.
Other names: c.2548G>A, p.Ala850Thr (NM_001164317.2, NM_001164318.2, NM_001164319.2); short protein forms A850T.
Identifiers: ClinVar variation 2764648 (VCV002764648.3), dbSNP rs2471091691, ClinGen allele CA353345665.

ClinVar aggregate classification (germline): Uncertain significance (1 of 4 stars; one submission).

Submission:

Labcorp Genetics (formerly Invitae), Labcorp
Classification: Uncertain significance. Last evaluated: 2023-10-13. Review status: criteria provided, single submitter. Criteria: Invitae Variant Classification Sherloc (09022015). Collection method: clinical testing. Allele origin: germline.
Comment: This sequence change replaces alanine, which is neutral and non-polar, with threonine, which is neutral and polar, at codon 850 of the FLNB protein (p.Ala850Thr). This variant is not present in population databases (gnomAD no frequency). This variant has not been reported in the literature in individuals affected with FLNB-related conditions. Advanced modeling of protein sequence and biophysical properties (such as structural, functional, and spatial information, amino acid conservation, physicochemical variation, residue mobility, and thermodynamic stability) performed at Invitae indicates that this missense variant is not expected to disrupt FLNB protein function. In summary, the available evidence is currently insufficient to determine the role of this variant in disease. Therefore, it has been classified as a Variant of Uncertain Significance.